The following is an entry in ClinVar:

NM_003742.4(ABCB11):c.1636C>A (p.Gln546Lys)

Gene: ABCB11 (ATP binding cassette subfamily B member 11; minus strand). Cytogenetic location: 2q31.1.
Variant type: single nucleotide variant.
Coding change: c.1636C>A on transcript NM_003742.4 (MANE Select); coding-DNA position 1636, C replaced by A.
Protein change: p.Gln546Lys; replaces glutamine 546 with lysine.
Molecular consequence: missense variant.
Genome position (GRCh38, 1-based): chr2:168,971,849, G>T on the plus strand (C>A on the coding strand, the complement: ABCB11 is on the minus strand). VCF-style: chr2-168971849-G-T. GRCh37 (hg19) VCF-style: chr2-169828359-G-T.
Other names: p.Gln546Lys; c.1636C>A, p.Gln546Lys (LRG_1199t1); short protein forms Q546K.
Identifiers: ClinVar variation 289123 (VCV000289123.27), dbSNP rs111482608, ClinGen allele CA1951520.

ClinVar aggregate classification (germline): Benign/Likely benign. Review status: criteria provided, multiple submitters, no conflicts (2 of 4 stars). 8 submissions from 8 submitters: Benign (2); Likely benign (4). 2 of the submissions do not count toward it. Last evaluated 2026-04-14.

Conditions:
Familial intrahepatic cholestasis. Identifiers: Orphanet 284385, MedGen CN296401, MONDO:0017290.
Progressive familial intrahepatic cholestasis type 2. Identifiers: Orphanet 79304, MedGen C3489789, MONDO:0011156, OMIM 601847.
ABCB11-related disorder. Also called: ABCB11-related condition.

Allele frequency attached by ClinVar (database versions not stated): gnomAD 0.00105 and 0.00107; ESP Exome Variant Server 0.00108; 1000 Genomes Project 30x 0.00156; 1000 Genomes Project 0.00180; gnomAD exomes 0.00010 and 0.00030; ExAC 0.00033; TOPMed 0.00103.
gnomAD v4.1: 324 of 1,612,450 alleles (0.02%); highest among the groups gnomAD compares: African/African-American, 0.32%; 2 homozygotes.

Submissions (8):

Genomenon, Inc
Classification: Likely benign for Familial intrahepatic cholestasis. Last evaluated: 2026-04-14. Review status: criteria provided, single submitter. Criteria: Genomenon Sequence Variant Interpretation Standards - Updated. Collection method: curation. Allele origin: germline. Affected: no.
Comment: ABCB11 p.Gln546Lys (c.1636C>A) is a missense variant that changes the amino acid at residue 546 from Glutamine to Lysine. This variant has been reported in the published literature (PMID:24627769;22795478). This variant's allele frequency in gnomAD is greater than expected for this disorder. In conclusion, we classify ABCB11 p.Gln546Lys (c.1636C>A) as a likely benign variant.

Labcorp Genetics (formerly Invitae), Labcorp
Classification: Benign. Last evaluated: 2026-01-24. Review status: criteria provided, single submitter. Criteria: Invitae Variant Classification Sherloc (09022015). Collection method: clinical testing. Allele origin: germline.

Mayo Clinic Laboratories, Mayo Clinic
Classification: Likely benign. Last evaluated: 2024-12-24. Review status: criteria provided, single submitter. Criteria: ACMG Guidelines, 2015. Collection method: clinical testing. Allele origin: germline. Observed: 1 variant allele.
Comment: BS1, BS2

Blueprint Genetics
Classification: Likely benign. Last evaluated: 2024-08-28. Review status: criteria provided, single submitter. Criteria: ACMG Guidelines, 2015. Collection method: clinical testing. Allele origin: germline.

Illumina Laboratory Services, Illumina
Classification: Benign for Progressive familial intrahepatic cholestasis type 2. Last evaluated: 2017-04-28. Review status: criteria provided, single submitter. Criteria: ICSL Variant Classification Criteria 13 December 2019. Collection method: clinical testing. Allele origin: germline.
Comment: This variant was observed as part of a predisposition screen in an ostensibly healthy population. A literature search was performed for the gene, cDNA change, and amino acid change (where applicable). Publications were found based on this search. The evidence from the literature, in combination with allele frequency data from public databases where available, was sufficient to rule this variant out of causing disease. Therefore, this variant is classified as benign.

Eurofins Ntd Llc (ga)
Classification: Likely benign. Last evaluated: 2016-06-23. Review status: criteria provided, single submitter. Criteria: EGL Classification Definitions 2015. Collection method: clinical testing. Allele origin: germline. Observed: 1 variant allele, 1 heterozygote.

PreventionGenetics, part of Exact Sciences
Classification: Likely benign for ABCB11-related condition. Last evaluated: 2022-10-06. Review status: no assertion criteria provided. Collection method: clinical testing. Allele origin: germline. Not counted in ClinVar's aggregate classification.
Comment: This variant is classified as likely benign based on ACMG/AMP sequence variant interpretation guidelines (Richards et al. 2015 PMID: 25741868, with internal and published modifications).

Natera, Inc.
Classification: Likely benign for Progressive familial intrahepatic cholestasis type 2. Last evaluated: 2021-02-26. Review status: no assertion criteria provided. Collection method: clinical testing. Allele origin: germline. Not counted in ClinVar's aggregate classification.

Literature cited by the submitters: PubMed 24627769 (cited by Genomenon, Inc and Illumina Laboratory Services, Illumina); PubMed 22795478 (cited by Genomenon, Inc and Illumina Laboratory Services, Illumina).